The following is an entry in ClinVar:

NM_020297.4(ABCC9):c.1988G>A (p.Arg663His)

Gene: ABCC9 (ATP binding cassette subfamily C member 9; minus strand). Cytogenetic location: 12p12.1.
Variant type: single nucleotide variant.
Coding change: c.1988G>A on transcript NM_020297.4 (MANE Select); coding-DNA position 1988, G replaced by A.
Protein change: p.Arg663His; replaces arginine 663 with histidine.
Molecular consequence: missense variant.
Genome position (GRCh38, 1-based): chr12:21,882,797, C>T on the plus strand (G>A on the coding strand, the complement: ABCC9 is on the minus strand). VCF-style: chr12-21882797-C-T. GRCh37 (hg19) VCF-style: chr12-22035731-C-T.
Other names: c.1988G>A, p.Arg663His (NM_001377273.1, NM_005691.4); c.1124G>A, p.Arg375His (NM_001377274.1); short protein forms R663H, R375H.
Identifiers: ClinVar variation 373352 (VCV000373352.14), dbSNP rs141999048, ClinGen allele CA6481536.

ClinVar aggregate classification (germline): Conflicting classifications of pathogenicity. Review status: criteria provided, conflicting classifications (1 of 4 stars). 4 submissions from 4 submitters: Uncertain significance (1); Benign (1); Likely benign (2). Last evaluated 2025-11-21.

Conditions:
Cardiovascular phenotype. Identifiers: MedGen CN230736.
Dilated cardiomyopathy 1O (CMD1O). Also called: CARDIOMYOPATHY, DILATED, WITH VENTRICULAR TACHYCARDIA. Identifiers: Orphanet 154, MedGen C1837839, MONDO:0012062, OMIM 608569.

Allele frequency attached by ClinVar (database versions not stated): gnomAD 0.00006 and 0.00007; gnomAD exomes 0.00008 and 0.00022; TOPMed 0.00010; ESP Exome Variant Server 0.00015; ExAC 0.00021.
gnomAD v4.1: 126 of 1,613,722 alleles (0.0078%); highest among the groups gnomAD compares: East Asian, 0.13%; no homozygotes.

Submissions (4):

Labcorp Genetics (formerly Invitae), Labcorp
Classification: Likely benign for Dilated cardiomyopathy 1O. Last evaluated: 2025-11-21. Review status: criteria provided, single submitter. Criteria: Invitae Variant Classification Sherloc (09022015). Collection method: clinical testing. Allele origin: germline.

Blueprint Genetics
Classification: Likely benign. Last evaluated: 2023-09-16. Review status: criteria provided, single submitter. Criteria: ACMG Guidelines, 2015. Collection method: clinical testing. Allele origin: germline.

Ambry Genetics
Classification: Benign for Cardiovascular phenotype. Last evaluated: 2021-06-02. Review status: criteria provided, single submitter. Criteria: Ambry Variant Classification Scheme 2023. Collection method: clinical testing. Allele origin: germline.

GeneDx
Classification: Uncertain significance. Last evaluated: 2016-11-22. Review status: criteria provided, single submitter. Criteria: GeneDx Variant Classification (06012015). Collection method: clinical testing. Allele origin: germline. Affected: yes.
Comment: The R663H variant of uncertain significance in the ABCC9 gene has not been published as a pathogenic or benign variant to our knowledge. This substitution occurs at a position that is conserved across species, and the majority of in silico tools predict R663H is probably damaging to the protein structure/function. However, the R663H variant is a conservative amino acid substitution, which is not likely to impact secondary protein structure as these residues share similar properties. Furthermore, the Exome Aggregation Consortium reports R663H was observed in 0.28% of alleles from individuals of East Asian background, indicating it may be a rare benign variant in this population. Therefore, based on the currently available information, it is unclear whether this variant is pathogenic or rare benign.

Literature cited by the submitters: PubMed 30269836 (cited by Ambry Genetics); PubMed 30662066 (cited by Ambry Genetics).